The following is an entry in ClinVar:

ClinVar aggregate classification (germline): Uncertain significance (1 of 4 stars; one submission).

Conditions:
Cardiovascular phenotype. Identifiers: MedGen CN230736.

Submission:

Ambry Genetics
Classification: Uncertain significance for Cardiovascular phenotype. Last evaluated: 2023-11-13. Review status: criteria provided, single submitter. Criteria: Ambry Variant Classification Scheme 2023. Collection method: clinical testing. Allele origin: germline.
Comment: The p.S2243C variant (also known as c.6727A>T), located in coding exon 38 of the ANK2 gene, results from an A to T substitution at nucleotide position 6727. The serine at codon 2243 is replaced by cysteine, an amino acid with dissimilar properties. This amino acid position is conserved. In addition, the in silico prediction for this alteration is inconclusive. Since supporting evidence is limited at this time, the clinical significance of this alteration remains unclear.

NM_001148.6(ANK2):c.6727A>T (p.Ser2243Cys)

Gene: ANK2 (ankyrin 2; plus strand). Cytogenetic location: 4q26.
Variant type: single nucleotide variant.
Coding change: c.6727A>T on transcript NM_001148.6 (MANE Select); coding-DNA position 6727, A replaced by T.
Protein change: p.Ser2243Cys; replaces serine 2243 with cysteine.
Molecular consequence: missense variant. On other transcripts: intron variant (68).
Genome position (GRCh38, 1-based): chr4:113,355,345, A>T. VCF-style: chr4-113355345-A-T. GRCh37 (hg19) VCF-style: chr4-114276501-A-T.
Other names: c.6493A>T, p.Ser2165Cys (NM_001386142.1); c.3127A>T, p.Ser1043Cys (NM_001386166.1); c.6868A>T, p.Ser2290Cys (NM_001386174.1); c.6844A>T, p.Ser2282Cys (NM_001386175.1); c.4411+5096A>T (NM_001386186.2, NM_001386148.2); c.4213+5096A>T (NM_001354269.3); c.4291+5096A>T (NM_001386187.2); c.4252+5096A>T (NM_001386147.1); and 35 more; short protein forms S1043C, S2165C, S2243C, S2282C, S2290C.
Identifiers: ClinVar variation 3220993 (VCV003220993.1), dbSNP rs2505611487, ClinGen allele CA357925306.
Genomic context (GRCh38, chr4:113,355,345, plus strand): 5'-CCTCAGATTAGTTCAGAAGAAAGCTATAAGCATGAAGGCCTAGCAGAGACCCCTGAGACG[A>T]GCCCAGAAAGCCTTTCTTTCTCACCAAAGAAAAGTGAGGAGCAAACTGGGGAAACAAAGG-3'
Protein context (NP_001139.3, residues 2233-2253): HEGLAETPET[Ser2243Cys]PESLSFSPKK